The following is an entry in ClinVar:

NM_000059.4(BRCA2):c.8623G>C (p.Glu2875Gln)

Gene: BRCA2 (BRCA2 DNA repair associated; plus strand). Cytogenetic location: 13q13.1.
Variant type: single nucleotide variant.
Coding change: c.8623G>C on transcript NM_000059.4 (MANE Select); coding-DNA position 8623, G replaced by C.
Protein change: p.Glu2875Gln; replaces glutamic acid 2875 with glutamine.
Molecular consequence: missense variant. On other transcripts: non-coding transcript variant (1).
Genome position (GRCh38, 1-based): chr13:32,371,091, G>C. VCF-style: chr13-32371091-G-C. GRCh37 (hg19) VCF-style: chr13-32945228-G-C.
Other names: c.8527G>C, p.Glu2843Gln (NM_001406719.1); c.8623G>C, p.Glu2875Gln (NM_001406720.1, NM_001432077.1); c.3691G>C, p.Glu1231Gln (NM_001406721.1); c.2206G>C, p.Glu736Gln (NM_001406722.1); short protein forms E1231Q, E2843Q, E2875Q, E736Q.
Identifiers: ClinVar variation 4823740 (VCV004823740.4).
Genomic context (GRCh38, chr13:32,371,091, plus strand): 5'-GTGGAGGCCCAACAAAAGAGACTAGAAGCCTTATTCACTAAAATTCAGGAGGAATTTGAA[G>C]AACATGAAGGTAAAATTAGTTATATGGTACACATTGTTATTTCTAATATGAGAACAAAGT-3'
Protein context (NP_000050.3, residues 2865-2885): LFTKIQEEFE[Glu2875Gln]HEENTTKPYL

ClinVar aggregate classification (germline): Uncertain significance (1 of 4 stars; one submission).

Submission:

CeGaT Center for Human Genetics Tuebingen
Classification: Uncertain significance. Last evaluated: 2026-03-01. Review status: criteria provided, single submitter. Criteria: CeGaT Center For Human Genetics Tuebingen Variant Classification Criteria Version 2. Collection method: clinical testing. Allele origin: germline. Affected: yes. Observed: 1 variant allele.
Comment: BRCA2: PM2, BP4